The following is an entry in ClinVar:

NM_015404.4(WHRN):c.2617C>T (p.Arg873Trp)

Gene: WHRN (whirlin; minus strand). Cytogenetic location: 9q32.
Variant type: single nucleotide variant.
Coding change: c.2617C>T on transcript NM_015404.4 (MANE Select); coding-DNA position 2617, C replaced by T.
Protein change: p.Arg873Trp; replaces arginine 873 with tryptophan.
Molecular consequence: missense variant.
Genome position (GRCh38, 1-based): chr9:114,402,861, G>A on the plus strand (C>T on the coding strand, the complement: WHRN is on the minus strand). VCF-style: chr9-114402861-G-A. GRCh37 (hg19) VCF-style: chr9-117165141-G-A.
Other names: c.1468C>T, p.Arg490Trp (NM_001083885.3); c.2614C>T, p.Arg872Trp (NM_001173425.2); c.1564C>T, p.Arg522Trp (NM_001346890.1); short protein forms R873W, R490W, R872W, R522W.
Identifiers: ClinVar variation 77520 (VCV000077520.5), dbSNP rs267602096, ClinGen allele CA198648784.

ClinVar aggregate classification (germline): Uncertain significance. Review status: criteria provided, multiple submitters, no conflicts (2 of 4 stars). 2 submissions from 2 submitters: Uncertain significance (2). Last evaluated 2026-02-03.

Allele frequency attached by ClinVar (database versions not stated): gnomAD 0.00001; gnomAD exomes 0.00001 and 0.00002; TOPMed 0.00002.
gnomAD v4.1: 34 of 1,613,928 alleles (0.0021%); highest among the groups gnomAD compares: South Asian, 0.0044%; no homozygotes.

Submissions (2):

GeneDx
Classification: Uncertain significance. Last evaluated: 2026-02-03. Review status: criteria provided, single submitter. Criteria: GeneDx Variant Classification Process June 2021. Collection method: clinical testing. Allele origin: germline.
Comment: Not observed at significant frequency in large population cohorts (gnomAD); In silico analysis supports that this missense variant has a deleterious effect on protein structure/function; Has not been previously published as pathogenic or benign to our knowledge

Labcorp Genetics (formerly Invitae), Labcorp
Classification: Uncertain significance. Last evaluated: 2022-08-31. Review status: criteria provided, single submitter. Criteria: Invitae Variant Classification Sherloc (09022015). Collection method: clinical testing. Allele origin: germline.
Comment: This sequence change replaces arginine, which is basic and polar, with tryptophan, which is neutral and slightly polar, at codon 873 of the WHRN protein (p.Arg873Trp). This variant is present in population databases (rs267602096, gnomAD 0.0009%). This variant has not been reported in the literature in individuals affected with WHRN-related conditions. ClinVar contains an entry for this variant (Variation ID: 77520). Algorithms developed to predict the effect of missense changes on protein structure and function are either unavailable or do not agree on the potential impact of this missense change (SIFT: "Deleterious"; PolyPhen-2: "Probably Damaging"; Align-GVGD: "Class C0"). In summary, the available evidence is currently insufficient to determine the role of this variant in disease. Therefore, it has been classified as a Variant of Uncertain Significance.